The following is an entry in ClinVar:

ClinVar aggregate classification (germline): Pathogenic (1 of 4 stars; one submission).

Submission:

Labcorp Genetics (formerly Invitae), Labcorp
Classification: Pathogenic. Last evaluated: 2021-09-24. Review status: criteria provided, single submitter. Criteria: Invitae Variant Classification Sherloc (09022015). Collection method: clinical testing. Allele origin: germline.
Comment: The frequency data for this variant in the population databases is not available, as this variant may be reported as separate entries in the ExAC database. For these reasons, this variant has been classified as Pathogenic. This variant has not been reported in the literature in individuals affected with RP2-related conditions. This sequence change creates a premature translational stop signal (p.Phe4*) in the RP2 gene. It is expected to result in an absent or disrupted protein product. Loss-of-function variants in RP2 are known to be pathogenic (PMID: 11992260, 20625056).

Literature cited by the submitters: PubMed 11992260; PubMed 20625056.

NM_006915.3(RP2):c.11_12delinsAA (p.Phe4Ter)

Genes: RP2 (RP2 activator of ARL3 GTPase; plus strand), LOC130068202 (ATAC-STARR-seq lymphoblastoid active region 29577; plus strand). Cytogenetic location: Xp11.3.
Variant type: Indel.
Coding change: c.11_12delinsAA on transcript NM_006915.3 (MANE Select); coding-DNA positions 11 to 12, TC replaced by AA.
Protein change: p.Phe4Ter; replaces phenylalanine 4 with a stop codon.
Molecular consequence: nonsense.
Genome position (GRCh38, 1-based): chrX:46,837,111-46,837,112, TC replaced by AA. VCF-style: chrX-46837111-TC-AA. GRCh37 (hg19) VCF-style: chrX-46696546-TC-AA.
Other names: short protein forms F4*.
Identifiers: ClinVar variation 1455481 (VCV001455481.6), dbSNP rs2147074613, ClinGen allele CA2573158910.
Genomic context (GRCh38, chrX:46,837,111, plus strand): 5'-GGAAGTGCCTGAGCTAGTGAGCTGGCCAACGAGCTCCGCGGGCTGGGACCATGGGCTGCT[TC>AA]TTCTCCAAGAGACGGAAGGCTGACAAGGAGTCGCGGCCCGAGAACGAGGAGGAGCGGCCA-3'